The following is an entry in ClinVar:

NM_000019.4(ACAT1):c.253G>T (p.Glu85Ter)

Gene: ACAT1 (acetyl-CoA acetyltransferase 1; plus strand). Cytogenetic location: 11q22.3.
Variant type: single nucleotide variant.
Coding change: c.253G>T on transcript NM_000019.4 (MANE Select); coding-DNA position 253, G replaced by T.
Protein change: p.Glu85Ter; replaces glutamic acid 85 with a stop codon.
Molecular consequence: nonsense. On other transcripts: 5 prime UTR variant (10), non-coding transcript variant (2), intron variant (1).
Genome position (GRCh38, 1-based): chr11:108,134,235, G>T. VCF-style: chr11-108134235-G-T. GRCh37 (hg19) VCF-style: chr11-108004962-G-T.
Other names: c.253G>T, p.Glu85Ter (NM_001386677.1); c.-25G>T (NM_001386679.1); c.-18G>T (NM_001386681.1, NM_001386682.1, NM_001386685.1 and 6 more transcripts); c.120+2281G>T (NM_001386678.1); short protein forms E85*.
Identifiers: ClinVar variation 1683374 (VCV001683374.2), dbSNP rs748425041, ClinGen allele CA6263066.

ClinVar aggregate classification (germline): Pathogenic/Likely pathogenic. Review status: criteria provided, multiple submitters, no conflicts (2 of 4 stars). 2 submissions from 2 submitters: Pathogenic (1); Likely pathogenic (1). Last evaluated 2024-10-09.

Conditions:
Deficiency of acetyl-CoA acetyltransferase. Also called: Beta-ketothiolase deficiency; 3-KETOTHIOLASE DEFICIENCY; 3-OXOTHIOLASE DEFICIENCY; MITOCHONDRIAL ACETOACETYL-CoA THIOLASE DEFICIENCY. Identifiers: Orphanet 134, MedGen C1536500, MONDO:0008760, OMIM 203750. Disease mechanism: loss of function.

Allele frequency attached by ClinVar (database versions not stated): gnomAD exomes below 0.00001 and 0.00001; ExAC 0.00001.

Submissions (2):

Myriad Genetics, Inc.
Classification: Pathogenic for Deficiency of acetyl-CoA acetyltransferase. Last evaluated: 2024-10-09. Review status: criteria provided, single submitter. Criteria: Myriad Autosomal Dominant, Autosomal Recessive and X-Linked Classification Criteria (2023). Collection method: clinical testing. Allele origin: unknown.
Comment: NM_000019.3(ACAT1):c.253G>T(E85*) is expected to be pathogenic in the context of beta-ketothiolase deficiency. This variant is predicted to lead to an abnormal or absent protein product due to the creation of a premature termination codon in ACAT1, a gene where loss-of-function variants are known to be pathogenic. Please note: this variant was assessed in the context of healthy population screening.

Women's Health and Genetics/Laboratory Corporation of America, LabCorp
Classification: Likely pathogenic for Deficiency of acetyl-CoA acetyltransferase. Last evaluated: 2022-04-14. Review status: criteria provided, single submitter. Criteria: LabCorp Variant Classification Summary - May 2015. Collection method: clinical testing. Allele origin: germline.
Comment: Variant summary: ACAT1 c.253G>T (p.Glu85X) results in a premature termination codon, predicted to cause a truncation of the encoded protein or absence of the protein due to nonsense mediated decay, which are commonly known mechanisms for disease. Truncations downstream of this position have been classified as pathogenic by our laboratory. The variant allele was found at a frequency of 8e-06 in 249652 control chromosomes. To our knowledge, no occurrence of c.253G>T in individuals affected with Alpha-Methylacetoacetic Aciduria and no experimental evidence demonstrating its impact on protein function have been reported. No clinical diagnostic laboratories have submitted clinical-significance assessments for this variant to ClinVar after 2014. Based on the evidence outlined above, the variant was classified as likely pathogenic.